The following is an entry in ClinVar:

ClinVar aggregate classification (germline): Uncertain significance (1 of 4 stars; one submission).

Submission:

GeneDx
Classification: Uncertain significance. Last evaluated: 2025-10-03. Review status: criteria provided, single submitter. Criteria: GeneDx Variant Classification Process June 2021. Collection method: clinical testing. Allele origin: germline.
Comment: Nonsense variant predicted to result in protein truncation or nonsense mediated decay in a gene or region of a gene for which loss of function is not a well-established mechanism of disease; Not observed at significant frequency in large population cohorts (gnomAD); Has not been previously published as pathogenic or benign to our knowledge

NM_001958.5(EEF1A2):c.751C>T (p.Gln251Ter)

Gene: EEF1A2 (eukaryotic translation elongation factor 1 alpha 2; minus strand). Cytogenetic location: 20q13.33.
Variant type: single nucleotide variant.
Coding change: c.751C>T on transcript NM_001958.5 (MANE Select); coding-DNA position 751, C replaced by T.
Protein change: p.Gln251Ter; replaces glutamine 251 with a stop codon.
Molecular consequence: nonsense.
Genome position (GRCh38, 1-based): chr20:63,493,158, G>A on the plus strand (C>T on the coding strand, the complement: EEF1A2 is on the minus strand). VCF-style: chr20-63493158-G-A. GRCh37 (hg19) VCF-style: chr20-62124511-G-A.
Other names: short protein forms Q251*.
Identifiers: ClinVar variation 3361181 (VCV003361181.2).
Genomic context (GRCh38, chr20:63,493,158, plus strand): 5'-CTGGCCAGGCAGGAGCTCCAGCACAGCGCCCTTGCTCACCGCCAATCTTGTACACGTCCT[G>A]CAGCGGCAGGCGCAGGGGCTTGTCCGTGGGGCGCGTGGGGGGCAGGATGGTGTCCAGGGC-3'